The following is an entry in ClinVar:

NM_005857.5(ZMPSTE24):c.28_29insA (p.Leu10fs)

Genes: ZMPSTE24 (zinc metallopeptidase STE24; plus strand), LOC129930253 (ATAC-STARR-seq lymphoblastoid active region 836; plus strand). Cytogenetic location: 1p34.2.
Variant type: Insertion.
Coding change: c.28_29insA on transcript NM_005857.5 (MANE Select); coding-DNA positions 28 to 29, A inserted.
Protein change: p.Leu10fs; shifts the reading frame from leucine 10.
Molecular consequence: frameshift variant.
Genome position: GRCh38 VCF-style: chr1-40258299-T-TA. GRCh37 (hg19) VCF-style: chr1-40723971-T-TA.
Other names: short protein forms L10fs.
Identifiers: ClinVar variation 2711294 (VCV002711294.3), dbSNP rs2522325948, ClinGen allele CA2586966440.

ClinVar aggregate classification (germline): Pathogenic (1 of 4 stars; one submission).

Submission:

Labcorp Genetics (formerly Invitae), Labcorp
Classification: Pathogenic. Last evaluated: 2024-01-29. Review status: criteria provided, single submitter. Criteria: Invitae Variant Classification Sherloc (09022015). Collection method: clinical testing. Allele origin: germline.
Comment: This sequence change creates a premature translational stop signal (p.Leu10Tyrfs*37) in the ZMPSTE24 gene. It is expected to result in an absent or disrupted protein product. Loss-of-function variants in ZMPSTE24 are known to be pathogenic (PMID: 22718200, 24169522). This variant is not present in population databases (gnomAD no frequency). This premature translational stop signal has been observed in individual(s) with mandibuloacral dysplasia with type B lipodystrophy (PMID: 35597529). It has also been observed to segregate with disease in related individuals. For these reasons, this variant has been classified as Pathogenic.

Literature cited by the submitters: PubMed 22718200; PubMed 24169522; PubMed 35597529.